The following is an entry in ClinVar:

ClinVar aggregate classification (germline): Uncertain significance. Review status: criteria provided, multiple submitters, no conflicts (2 of 4 stars). 2 submissions from 2 submitters: Uncertain significance (2). Last evaluated 2025-05-18.

Conditions:
Cardiovascular phenotype. Identifiers: MedGen CN230736.
Hereditary cancer-predisposing syndrome. Also called: Hereditary neoplastic syndrome; Tumor predisposition; Neoplastic Syndromes, Hereditary; Hereditary Cancer Syndrome. Identifiers: Orphanet 140162, MedGen C0027672, MeSH D009386, MONDO:0015356.
Neurofibromatosis, type 1 (NF1). Also called: Peripheral type neurofibromatosis; VON RECKLINGHAUSEN DISEASE; NEUROFIBROMATOSIS, TYPE I, SOMATIC; Neurofibromatosis, type I. Identifiers: Orphanet 636, MedGen C0027831, MONDO:0018975, OMIM 162200. Disease mechanism: loss of function.

Submissions (2):

Ambry Genetics
Classification: Uncertain significance for Cardiovascular phenotype; Hereditary cancer-predisposing syndrome. Last evaluated: 2025-05-18. Review status: criteria provided, single submitter. Criteria: Ambry Variant Classification Scheme 2023. Collection method: clinical testing. Allele origin: germline.
Comment: The p.L1257F variant (also known as c.3769C>T), located in coding exon 28 of the NF1 gene, results from a C to T substitution at nucleotide position 3769. The leucine at codon 1257 is replaced by phenylalanine, an amino acid with highly similar properties. This amino acid position is conserved. In addition, the in silico prediction for this alteration is inconclusive. Based on the available evidence, the clinical significance of this variant remains unclear.

Labcorp Genetics (formerly Invitae), Labcorp
Classification: Uncertain significance for Neurofibromatosis, type 1. Last evaluated: 2023-02-10. Review status: criteria provided, single submitter. Criteria: Invitae Variant Classification Sherloc (09022015). Collection method: clinical testing. Allele origin: germline.
Comment: Advanced modeling of protein sequence and biophysical properties (such as structural, functional, and spatial information, amino acid conservation, physicochemical variation, residue mobility, and thermodynamic stability) performed at Invitae indicates that this missense variant is expected to disrupt NF1 protein function. In summary, the available evidence is currently insufficient to determine the role of this variant in disease. Therefore, it has been classified as a Variant of Uncertain Significance. ClinVar contains an entry for this variant (Variation ID: 1718007). This variant has not been reported in the literature in individuals affected with NF1-related conditions. This variant is not present in population databases (gnomAD no frequency). This sequence change replaces leucine, which is neutral and non-polar, with phenylalanine, which is neutral and non-polar, at codon 1257 of the NF1 protein (p.Leu1257Phe).

NM_001042492.3(NF1):c.3769C>T (p.Leu1257Phe)

Gene: NF1 (neurofibromin 1; plus strand). Cytogenetic location: 17q11.2.
Variant type: single nucleotide variant.
Coding change: c.3769C>T on transcript NM_001042492.3 (MANE Select); coding-DNA position 3769, C replaced by T.
Protein change: p.Leu1257Phe; replaces leucine 1257 with phenylalanine.
Molecular consequence: missense variant.
Genome position (GRCh38, 1-based): chr17:31,235,671, C>T. VCF-style: chr17-31235671-C-T. GRCh37 (hg19) VCF-style: chr17-29562689-C-T.
Other names: c.3769C>T, p.Leu1257Phe (NM_000267.4); short protein forms L1257F.
Identifiers: ClinVar variation 1718007 (VCV001718007.6), dbSNP rs2151437853, ClinGen allele CA398992533.